The following is an entry in ClinVar:

ClinVar aggregate classification (germline): Uncertain significance (1 of 4 stars; one submission).

Submission:

GeneDx
Classification: Uncertain significance. Last evaluated: 2023-10-26. Review status: criteria provided, single submitter. Criteria: GeneDx Variant Classification Process June 2021. Collection method: clinical testing. Allele origin: germline. Affected: yes.
Comment: Not observed at significant frequency in large population cohorts (gnomAD); In silico analysis supports that this missense variant has a deleterious effect on protein structure/function; Has not been previously published as pathogenic or benign to our knowledge

NM_145331.3(MAP3K7):c.719T>C (p.Met240Thr)

Gene: MAP3K7 (mitogen-activated protein kinase kinase kinase 7; minus strand). Cytogenetic location: 6q15.
Variant type: single nucleotide variant.
Coding change: c.719T>C on transcript NM_145331.3 (MANE Select); coding-DNA position 719, T replaced by C.
Protein change: p.Met240Thr; replaces methionine 240 with threonine.
Molecular consequence: missense variant.
Genome position (GRCh38, 1-based): chr6:90,553,475, A>G on the plus strand (T>C on the coding strand, the complement: MAP3K7 is on the minus strand). VCF-style: chr6-90553475-A-G. GRCh37 (hg19) VCF-style: chr6-91263194-A-G.
Other names: c.719T>C, p.Met240Thr (NM_003188.4, NM_145332.3, NM_145333.3); short protein forms M240T.
Identifiers: ClinVar variation 3363533 (VCV003363533.1).